The following is an entry in ClinVar:

NM_001378120.1(MBD5):c.172G>A (p.Gly58Arg)

Gene: MBD5 (methyl-CpG binding domain protein 5; plus strand). Cytogenetic location: 2q23.1.
Variant type: single nucleotide variant.
Coding change: c.172G>A on transcript NM_001378120.1 (MANE Select); coding-DNA position 172, G replaced by A.
Protein change: p.Gly58Arg; replaces glycine 58 with arginine.
Molecular consequence: missense variant.
Genome position (GRCh38, 1-based): chr2:148,462,640, G>A. VCF-style: chr2-148462640-G-A. GRCh37 (hg19) VCF-style: chr2-149220209-G-A.
Other names: c.172G>A, p.Gly58Arg (NM_018328.5); short protein forms G58R.
Identifiers: ClinVar variation 2579891 (VCV002579891.2), dbSNP rs2469808020, ClinGen allele CA348716195.
Genomic context (GRCh38, chr2:148,462,640, plus strand): 5'-AGTCCCAGTGGGTCTTTGTTATCTTGCTTGGAGCAGGTTAAAACATACCTGCTTACTGAT[G>A]GAACATGCAAGTGTGGCTTGGAATGTCCTCTTATTCTTCCCAAGGTAACCATTTCACAAT-3'
Protein context (NP_001365049.1, residues 48-68): EQVKTYLLTD[Gly58Arg]TCKCGLECPL

ClinVar aggregate classification (germline): Uncertain significance. Review status: criteria provided, multiple submitters, no conflicts (2 of 4 stars). 2 submissions from 2 submitters: Uncertain significance (2). Last evaluated 2025-04-29.

Submissions (2):

Revvity Omics, Revvity
Classification: Uncertain significance. Last evaluated: 2025-04-29. Review status: criteria provided, single submitter. Criteria: ACMG Guidelines, 2015. Collection method: clinical testing. Allele origin: germline.

GeneDx
Classification: Uncertain significance. Last evaluated: 2023-03-16. Review status: criteria provided, single submitter. Criteria: GeneDx Variant Classification Process June 2021. Collection method: clinical testing. Allele origin: germline. Affected: yes.
Comment: Not observed at significant frequency in large population cohorts (gnomAD); In silico analysis supports that this missense variant has a deleterious effect on protein structure/function; Has not been previously published as pathogenic or benign to our knowledge